The following is an entry in ClinVar:

ClinVar aggregate classification (germline): Likely benign. Review status: criteria provided, single submitter (1 of 4 stars). 2 submissions from 2 submitters: Likely benign (1). 1 of the submissions does not count toward it. Last evaluated 2025-11-09.

Conditions:
DNAH5-related disorder. Also called: DNAH5-related condition.
Primary ciliary dyskinesia. Also called: Ciliary dyskinesia. Identifiers: Orphanet 244, MedGen C0008780, MONDO:0016575, HP:0012265.

Allele frequency attached by ClinVar (database versions not stated): ESP Exome Variant Server 0.00008; ExAC 0.00009; gnomAD 0.00009; 1000 Genomes Project 30x 0.00016; 1000 Genomes Project 0.00020; gnomAD exomes 0.00006 and 0.00007; TOPMed 0.00006.
gnomAD v4.1: 110 of 1,614,032 alleles (0.0068%); highest among the groups gnomAD compares: Non-Finnish European, 0.0081%; no homozygotes.

Submissions (3):

Labcorp Genetics (formerly Invitae), Labcorp
Classification: Likely benign for Primary ciliary dyskinesia. Last evaluated: 2025-11-09. Review status: criteria provided, single submitter. Criteria: Invitae Variant Classification Sherloc (09022015). Collection method: clinical testing. Allele origin: germline.

PreventionGenetics, part of Exact Sciences
Classification: Likely benign for DNAH5-related condition. Last evaluated: 2024-09-11. Review status: no assertion criteria provided. Collection method: clinical testing. Allele origin: germline. Not counted in ClinVar's aggregate classification.
Comment: This variant is classified as likely benign based on ACMG/AMP sequence variant interpretation guidelines (Richards et al. 2015 PMID: 25741868, with internal and published modifications).

Dr. Peter K. Rogan Lab, Western University
No classification provided (evidence only). Condition: Uterine corpus endometrial carcinoma. Review status: no classification provided. Collection method: in vitro. Allele origin: not applicable. Functional consequence: retained intron. Not counted in ClinVar's aggregate classification.

NM_001369.3(DNAH5):c.633G>A (p.Ser211=)

Gene: DNAH5 (dynein axonemal heavy chain 5; minus strand). Cytogenetic location: 5p15.2.
Variant type: single nucleotide variant.
Coding change: c.633G>A on transcript NM_001369.3 (MANE Select); coding-DNA position 633, G replaced by A.
Protein change: p.Ser211=; no amino-acid change (serine 211 retained).
Molecular consequence: synonymous variant.
Genome position (GRCh38, 1-based): chr5:13,922,134, C>T on the plus strand (G>A on the coding strand, the complement: DNAH5 is on the minus strand). VCF-style: chr5-13922134-C-T. GRCh37 (hg19) VCF-style: chr5-13922243-C-T.
Identifiers: ClinVar variation 454790 (VCV000454790.14), dbSNP rs151075351, ClinGen allele CA3205141.